The following is an entry in ClinVar:

ClinVar aggregate classification (germline): Pathogenic (1 of 4 stars; one submission).

Conditions:
Nemaline myopathy 2 (NEM2). Also called: Nemaline myopathy 2, autosomal recessive. Identifiers: MedGen C1850569, MONDO:0009725, OMIM 256030.

Submission:

Labcorp Genetics (formerly Invitae), Labcorp
Classification: Pathogenic for Nemaline myopathy 2. Last evaluated: 2023-08-10. Review status: criteria provided, single submitter. Criteria: Invitae Variant Classification Sherloc (09022015). Collection method: clinical testing. Allele origin: germline.
Comment: For these reasons, this variant has been classified as Pathogenic. This variant has not been reported in the literature in individuals affected with NEB-related conditions. The frequency data for this variant in the population databases (gnomAD) is considered unreliable due to the presence of homologous sequence, such as pseudogenes or paralogs, in the genome. This sequence change creates a premature translational stop signal (p.Tyr4568*) in the NEB gene. It is expected to result in an absent or disrupted protein product. Loss-of-function variants in NEB are known to be pathogenic (PMID: 25205138). This variant occurs in a region of NEB (Exons 82-105) consisting of three highly homologous 8-exon repeat units (exons 82-89, exons 90-97, exons 98-105). Sequence variants in this region can be detected, but this assay cannot determine which of the three repeat units is affected, and zygosity is often ambiguous. All variants in this region are reported relative to the exon 82-89 repeat.

Literature cited by the submitters: PubMed 25205138.

NM_001164508.2(NEB):c.13704T>G (p.Tyr4568Ter)

Gene: NEB (nebulin; minus strand). Cytogenetic location: 2q23.3.
Variant type: single nucleotide variant.
Coding change: c.13704T>G on transcript NM_001164508.2 (MANE Select); coding-DNA position 13704, T replaced by G.
Protein change: p.Tyr4568Ter; replaces tyrosine 4568 with a stop codon.
Molecular consequence: nonsense. On other transcripts: intron variant (1).
Genome position (GRCh38, 1-based): chr2:151,600,526, A>C on the plus strand (T>G on the coding strand, the complement: NEB is on the minus strand). VCF-style: chr2-151600526-A-C. GRCh37 (hg19) VCF-style: chr2-152457040-A-C.
Other names: c.13704T>G, p.Tyr4568Ter (NM_001164507.2, NM_001271208.2); c.11601+9283T>G (NM_004543.5); short protein forms Y4568*.
Identifiers: ClinVar variation 2888015 (VCV002888015.3), dbSNP rs1553862274, ClinGen allele CA348768376.